The following is an entry in ClinVar:

NM_001128225.3(SLC39A13):c.-5G>A

Gene: SLC39A13 (solute carrier family 39 member 13; plus strand). Cytogenetic location: 11p11.2.
Variant type: single nucleotide variant.
Coding change: c.-5G>A on transcript NM_001128225.3 (MANE Select); 5 bases upstream of the start codon, G replaced by A.
Molecular consequence: 5 prime UTR variant. On other transcripts: non-coding transcript variant (1).
Genome position (GRCh38, 1-based): chr11:47,410,090, G>A. VCF-style: chr11-47410090-G-A. GRCh37 (hg19) VCF-style: chr11-47431641-G-A.
Other names: c.-5G>A (NM_001330245.2, NM_001441271.1, NM_001441272.1 and 5 more transcripts).
Identifiers: ClinVar variation 4683616 (VCV004683616.1).
Genomic context (GRCh38, chr11:47,410,090, plus strand): 5'-TAAGCAGGTGTGCGGCCAAGGCTGTAGCTCATATAGGTGGCCTTTTGTGTTTTTCAGTAC[G>A]TGGCATGCCTGGATGTCCCTGCCCTGGCTGTGGCATGGCGGGCCCAAGGCTCCTCTTCCT-3'

ClinVar aggregate classification (germline): Likely benign (1 of 4 stars; one submission).

gnomAD v4.1: 11 of 1,612,604 alleles (0.00068%); highest among the groups gnomAD compares: East Asian, 0.0022%; no homozygotes.

Submission:

Mayo Clinic Laboratories, Mayo Clinic
Classification: Likely benign. Last evaluated: 2025-03-14. Review status: criteria provided, single submitter. Criteria: ACMG Guidelines, 2015. Collection method: clinical testing. Allele origin: germline. Observed: 1 variant allele.
Comment: BP4, BP7